The following is an entry in ClinVar:

NM_020708.5(SLC12A5):c.955G>A (p.Gly319Ser)

Gene: SLC12A5 (solute carrier family 12 member 5; plus strand). Cytogenetic location: 20q13.12.
Variant type: single nucleotide variant.
Coding change: c.955G>A on transcript NM_020708.5 (MANE Select); coding-DNA position 955, G replaced by A.
Protein change: p.Gly319Ser; replaces glycine 319 with serine.
Molecular consequence: missense variant.
Genome position (GRCh38, 1-based): chr20:46,041,429, G>A. VCF-style: chr20-46041429-G-A. GRCh37 (hg19) VCF-style: chr20-44670068-G-A.
Other names: c.1024G>A, p.Gly342Ser (NM_001134771.2); short protein forms G342S, G319S.
Identifiers: ClinVar variation 1430429 (VCV001430429.6), dbSNP rs765018314, ClinGen allele CA9887192.

ClinVar aggregate classification (germline): Uncertain significance (1 of 4 stars; one submission).

Conditions:
Developmental and epileptic encephalopathy, 34 (DEE34). Also called: SLC12A5-Related Epilepsy of Infancy with Migrating Focal Seizures; Early infantile epileptic encephalopathy 34. Identifiers: Orphanet 293181, MedGen C4225257, MONDO:0014718, OMIM 616645.

Allele frequency attached by ClinVar (database versions not stated): TOPMed below 0.00001; gnomAD exomes 0.00001 and 0.00002; ExAC 0.00002.
gnomAD v4.1: 4 of 1,614,120 alleles (0.00025%); highest among the groups gnomAD compares: Admixed American, 0.0067%; no homozygotes.

Submission:

Labcorp Genetics (formerly Invitae), Labcorp
Classification: Uncertain significance for Developmental and epileptic encephalopathy, 34. Last evaluated: 2023-10-13. Review status: criteria provided, single submitter. Criteria: Invitae Variant Classification Sherloc (09022015). Collection method: clinical testing. Allele origin: germline.
Comment: This sequence change replaces glycine, which is neutral and non-polar, with serine, which is neutral and polar, at codon 319 of the SLC12A5 protein (p.Gly319Ser). This variant is present in population databases (rs765018314, gnomAD 0.01%). This variant has not been reported in the literature in individuals affected with SLC12A5-related conditions. ClinVar contains an entry for this variant (Variation ID: 1430429). Advanced modeling of protein sequence and biophysical properties (such as structural, functional, and spatial information, amino acid conservation, physicochemical variation, residue mobility, and thermodynamic stability) performed at Invitae indicates that this missense variant is not expected to disrupt SLC12A5 protein function. In summary, the available evidence is currently insufficient to determine the role of this variant in disease. Therefore, it has been classified as a Variant of Uncertain Significance.